The following is an entry in ClinVar:

ClinVar aggregate classification (germline): Uncertain significance (1 of 4 stars; one submission).

gnomAD v4.1: 3 of 1,550,976 alleles (0.00019%); highest among the groups gnomAD compares: Admixed American, 0.0059%; 1 homozygote.

Submission:

Labcorp Genetics (formerly Invitae), Labcorp
Classification: Uncertain significance. Last evaluated: 2022-05-11. Review status: criteria provided, single submitter. Criteria: Invitae Variant Classification Sherloc (09022015). Collection method: clinical testing. Allele origin: germline.
Comment: This sequence change replaces asparagine, which is neutral and polar, with aspartic acid, which is acidic and polar, at codon 1165 of the UNC80 protein (p.Asn1165Asp). This variant is present in population databases (no rsID available, gnomAD 0.01%), including at least one homozygous and/or hemizygous individual. This variant has not been reported in the literature in individuals affected with UNC80-related conditions. Algorithms developed to predict the effect of missense changes on protein structure and function are either unavailable or do not agree on the potential impact of this missense change (SIFT: "Not Available"; PolyPhen-2: "Benign"; Align-GVGD: "Not Available"). In summary, the available evidence is currently insufficient to determine the role of this variant in disease. Therefore, it has been classified as a Variant of Uncertain Significance.

NM_001371986.1(UNC80):c.3487A>G (p.Asn1163Asp)

Gene: UNC80 (unc-80 homolog, NALCN channel complex subunit; plus strand). Cytogenetic location: 2q34.
Variant type: single nucleotide variant.
Coding change: c.3487A>G on transcript NM_001371986.1 (MANE Select); coding-DNA position 3487, A replaced by G.
Protein change: p.Asn1163Asp; replaces asparagine 1163 with aspartic acid.
Molecular consequence: missense variant.
Genome position (GRCh38, 1-based): chr2:209,849,483, A>G. VCF-style: chr2-209849483-A-G. GRCh37 (hg19) VCF-style: chr2-210714207-A-G.
Other names: c.3493A>G, p.Asn1165Asp (NM_032504.2); c.3478A>G, p.Asn1160Asp (NM_182587.4); short protein forms N1160D, N1165D, N1163D.
Identifiers: ClinVar variation 1993105 (VCV001993105.1), dbSNP rs1453340838, ClinGen allele CA350734853.
Genomic context (GRCh38, chr2:209,849,483, plus strand): 5'-TTCCTCCACCATGGCACCACCTTTACAGGTTGCCACAGTTTTGATGATCATCTCTCTCCC[A>G]ACCAAGATGGTGGAAAAAGCAAAAACGTGGTGAATCTTGGAGCAATCCGACAAGGCATGA-3'
Protein context (NP_001358915.1, residues 1153-1173): CHSFDDHLSP[Asn1163Asp]QDGGKSKNVV